The following is an entry in ClinVar:

NM_000180.4(GUCY2D):c.1871G>A (p.Arg624Gln)

Gene: GUCY2D (guanylate cyclase 2D, retinal; plus strand). Cytogenetic location: 17p13.1.
Variant type: single nucleotide variant.
Coding change: c.1871G>A on transcript NM_000180.4 (MANE Select); coding-DNA position 1871, G replaced by A.
Protein change: p.Arg624Gln; replaces arginine 624 with glutamine.
Molecular consequence: missense variant.
Genome position (GRCh38, 1-based): chr17:8,012,265, G>A. VCF-style: chr17-8012265-G-A. GRCh37 (hg19) VCF-style: chr17-7915583-G-A.
Other names: short protein forms R624Q.
Identifiers: ClinVar variation 957183 (VCV000957183.10), dbSNP rs746020263, ClinGen allele CA8365923.

ClinVar aggregate classification (germline): Uncertain significance. Review status: criteria provided, multiple submitters, no conflicts (2 of 4 stars). 4 submissions from 4 submitters: Uncertain significance (4). Last evaluated 2025-09-10.

Conditions:
GUCY2D-related disorder. Also called: GUCY2D-related condition.
Inborn genetic diseases. Identifiers: MedGen C0950123, MeSH D030342.
Cone-rod dystrophy 6 (CORD6). Also called: RETINAL CONE DYSTROPHY 2; Cone dystrophy progressive. Identifiers: Orphanet 1872, MedGen C1866293, MONDO:0011143, OMIM 601777.
Leber congenital amaurosis 1 (LCA1). Also called: RETINAL BLINDNESS, CONGENITAL; AMAUROSIS CONGENITA OF LEBER I; Congenital absence of the rods and cones; Leber's congenital tapetoretinal degeneration; Leber's congenital tapetoretinal dysplasia. Identifiers: Orphanet 65, MedGen C2931258, MONDO:0008764, OMIM 204000.

Allele frequency attached by ClinVar (database versions not stated): gnomAD 0.00001; TOPMed 0.00001; gnomAD exomes 0.00002; ExAC 0.00003.
gnomAD v4.1: 23 of 1,613,548 alleles (0.0014%); highest among the groups gnomAD compares: East Asian, 0.0022%; no homozygotes.

Submissions (4):

PreventionGenetics, part of Exact Sciences
Classification: Uncertain significance for GUCY2D-related condition. Last evaluated: 2025-09-10. Review status: criteria provided, single submitter. Criteria: ACMG Guidelines, 2015. Collection method: clinical testing. Allele origin: germline.
Comment: The GUCY2D c.1871G>A variant is predicted to result in the amino acid substitution p.Arg624Gln. To our knowledge, this variant has not been reported in the literature. This variant is reported in 0.0065% of alleles in individuals of South Asian descent in gnomAD. At this time, the clinical significance of this variant is uncertain due to the absence of conclusive functional and genetic evidence.

Ambry Genetics
Classification: Uncertain significance for Inborn genetic diseases. Last evaluated: 2025-08-04. Review status: criteria provided, single submitter. Criteria: Ambry Variant Classification Scheme 2023. Collection method: clinical testing. Allele origin: germline.

Blueprint Genetics
Classification: Uncertain significance. Last evaluated: 2024-07-15. Review status: criteria provided, single submitter. Criteria: ACMG Guidelines, 2015. Collection method: clinical testing. Allele origin: germline.

Labcorp Genetics (formerly Invitae), Labcorp
Classification: Uncertain significance for Leber congenital amaurosis 1; Cone-rod dystrophy 6. Last evaluated: 2021-08-28. Review status: criteria provided, single submitter. Criteria: Invitae Variant Classification Sherloc (09022015). Collection method: clinical testing. Allele origin: germline.
Comment: This sequence change replaces arginine with glutamine at codon 624 of the GUCY2D protein (p.Arg624Gln). The arginine residue is highly conserved and there is a small physicochemical difference between arginine and glutamine. This variant is present in population databases (rs746020263, ExAC 0.006%). This variant has not been reported in the literature in individuals affected with GUCY2D-related conditions. Algorithms developed to predict the effect of missense changes on protein structure and function (SIFT, PolyPhen-2, Align-GVGD) all suggest that this variant is likely to be disruptive. In summary, the available evidence is currently insufficient to determine the role of this variant in disease. Therefore, it has been classified as a Variant of Uncertain Significance.